The following is an entry in ClinVar:

NM_001267550.2(TTN):c.89940G>A (p.Trp29980Ter)

Genes: TTN (titin; minus strand), TTN-AS1 (TTN antisense RNA 1; plus strand). Cytogenetic location: 2q31.2.
Variant type: single nucleotide variant.
Coding change: c.89940G>A on transcript NM_001267550.2 (MANE Select); coding-DNA position 89940, G replaced by A.
Protein change: p.Trp29980Ter; replaces tryptophan 29980 with a stop codon.
Molecular consequence: nonsense.
Genome position (GRCh38, 1-based): chr2:178,552,960, C>T on the plus strand (G>A on the coding strand, the complement: TTN is on the minus strand). VCF-style: chr2-178552960-C-T. GRCh37 (hg19) VCF-style: chr2-179417687-C-T.
Other names: c.85017G>A, p.Trp28339Ter (NM_001256850.1); c.62745G>A, p.Trp20915Ter (NM_003319.4); c.82236G>A, p.Trp27412Ter (NM_133378.4); c.63120G>A, p.Trp21040Ter (NM_133432.3); c.63321G>A, p.Trp21107Ter (NM_133437.4); short protein forms W20915*, W21040*, W21107*, W27412*, W28339*, W29980*.
Identifiers: ClinVar variation 4866189 (VCV004866189.1).
Genomic context (GRCh38, chr2:178,552,960, plus strand): 5'-CTTCTCCGACAAATCTATTAGCTTGAAGGATGTGCTAGAACATTTGTGTGACACGACAGA[C>T]CATGTTCTCTTGGTGGCATCTCTCTTTTCAATGACATAATTAATTATTGGAGATCCTCCA-3'

ClinVar aggregate classification (germline): Likely pathogenic (1 of 4 stars; one submission).

Conditions:
Cardiovascular phenotype. Identifiers: MedGen CN230736.

Submission:

Ambry Genetics
Classification: Likely pathogenic for Cardiovascular phenotype. Last evaluated: 2026-04-16. Review status: criteria provided, single submitter. Criteria: Ambry Variant Classification Scheme 2023. Collection method: clinical testing. Allele origin: germline.
Comment: The p.W20915* variant (also known as c.62745G>A), located in coding exon 162 of the TTN gene, results from a G to A substitution at nucleotide position 62745. This changes the amino acid from a tryptophan to a stop codon within coding exon 162. This exon is located in the A-band region of the N2-B isoform of the titin protein and is constitutively expressed in TTN transcripts (percent spliced in or PSI 100%). This variant is considered to be rare based on population cohorts in the Genome Aggregation Database (gnomAD). This variant is expected to result in loss of function by premature protein truncation or nonsense-mediated mRNA decay. While truncating variants in TTN are present in 1-3% of the general population, truncating variants in the A-band are the most common cause of dilated cardiomyopathy (Herman DS et al. N. Engl. J. Med., 2012 Feb;366:619-28; Roberts AM et al. Sci Transl Med, 2015 Jan;7:270ra6). TTN truncating variants encoded in constitutive exons (PSI >90%) have been found to be significantly associated with DCM regardless of their position in titin (Schafer S et al. Nat. Genet., 2017 01;49:46-53; Akhtar MM et al. Circ Heart Fail, 2020 Oct;13:e006832; Massier M et al. Clin Genet, 2025 Jan). Based on the majority of available evidence to date, this variant is likely to be pathogenic.